The following is an entry in ClinVar:

NM_001127222.2(CACNA1A):c.3187G>C (p.Glu1063Gln)

Gene: CACNA1A (calcium voltage-gated channel subunit alpha1 A; minus strand). Cytogenetic location: 19p13.13.
Variant type: single nucleotide variant.
Coding change: c.3187G>C on transcript NM_001127222.2 (MANE Select); coding-DNA position 3187, G replaced by C.
Protein change: p.Glu1063Gln; replaces glutamic acid 1063 with glutamine.
Molecular consequence: missense variant.
Genome position (GRCh38, 1-based): chr19:13,286,869, C>G on the plus strand (G>C on the coding strand, the complement: CACNA1A is on the minus strand). VCF-style: chr19-13286869-C-G. GRCh37 (hg19) VCF-style: chr19-13397683-C-G.
Other names: c.3199G>C, p.Glu1067Gln (NM_000068.4, NM_023035.3); c.3190G>C, p.Glu1064Gln (NM_001127221.2, NM_001174080.2); short protein forms E1063Q, E1064Q, E1067Q.
Identifiers: ClinVar variation 3361374 (VCV003361374.1).
Genomic context (GRCh38, chr19:13,286,869, plus strand): 5'-CGTGGGGAGCGGCCGACTCCGCGGTGGCCAGCTTGTTGTTCTTCATGTTGTCAATATCCT[C>G]TGCCAGGGGTGGGTCTTGGCGGCCCAGGTCCTGCTGGATTGGCCGGGTGGTTGACAGGTT-3'
Protein context (NP_001120694.1, residues 1053-1073): DLGRQDPPLA[Glu1063Gln]DIDNMKNNKL

ClinVar aggregate classification (germline): Uncertain significance (1 of 4 stars; one submission).

Submission:

GeneDx
Classification: Uncertain significance. Last evaluated: 2023-07-23. Review status: criteria provided, single submitter. Criteria: GeneDx Variant Classification Process June 2021. Collection method: clinical testing. Allele origin: germline. Affected: yes.
Comment: Not observed at significant frequency in large population cohorts (gnomAD); In silico analysis supports that this missense variant has a deleterious effect on protein structure/function; Has not been previously published as pathogenic or benign to our knowledge